The following is an entry in ClinVar:

ClinVar aggregate classification (germline): Uncertain significance (1 of 4 stars; one submission).

Submission:

Women's Health and Genetics/Laboratory Corporation of America, LabCorp
Classification: Uncertain significance. Last evaluated: 2022-11-29. Review status: criteria provided, single submitter. Criteria: LabCorp Variant Classification Summary - May 2015. Collection method: clinical testing. Allele origin: germline.
Comment: Variant summary: SYNE2 c.12537A>C (p.Gln4179His) results in a non-conservative amino acid change in the encoded protein sequence. Three of four in-silico tools predict a benign effect of the variant on protein function. The variant was absent in 251468 control chromosomes (gnomAD). The available data on variant occurrences in the general population are insufficient to allow any conclusion about variant significance. To our knowledge, no occurrence of c.12537A>C in individuals affected with Emery-Dreifuss Muscular Dystrophy 5, Autosomal Dominant and no experimental evidence demonstrating its impact on protein function have been reported. No clinical diagnostic laboratories have submitted clinical-significance assessments for this variant to ClinVar after 2014. Based on the evidence outlined above, the variant was classified as uncertain significance.

NM_182914.3(SYNE2):c.12537A>C (p.Gln4179His)

Gene: SYNE2 (spectrin repeat containing nuclear envelope protein 2; plus strand). Cytogenetic location: 14q23.2.
Variant type: single nucleotide variant.
Coding change: c.12537A>C on transcript NM_182914.3 (MANE Select); coding-DNA position 12537, A replaced by C.
Protein change: p.Gln4179His; replaces glutamine 4179 with histidine.
Molecular consequence: missense variant.
Genome position (GRCh38, 1-based): chr14:64,107,535, A>C. VCF-style: chr14-64107535-A-C. GRCh37 (hg19) VCF-style: chr14-64574253-A-C.
Other names: c.12537A>C, p.Gln4179His (NM_015180.6); short protein forms Q4179H.
Identifiers: ClinVar variation 1804864 (VCV001804864.1), dbSNP rs369330578, ClinGen allele CA389956117.
Genomic context (GRCh38, chr14:64,107,535, plus strand): 5'-ATTCTTTTCTTTACAGGAAGCATATGGGAAAATAAGCACCTCTGATAATTCCATGGCACA[A>C]ATCCTCACACCAGACTCACTAAACACTGAGCAAGGCCCAGAATGTTCCCTAAGGCCCAAC-3'
Protein context (NP_878918.2, residues 4169-4189): KISTSDNSMA[Gln4179His]ILTPDSLNTE